The following is an entry in ClinVar:

ClinVar aggregate classification (germline): Likely pathogenic (1 of 4 stars; one submission).

Conditions:
SLCO1B3-related disorder. Also called: SLCO1B3-related condition.

Allele frequency attached by ClinVar (database versions not stated): gnomAD exomes 0.00013 and 0.00028; TOPMed 0.00015; gnomAD 0.00016; ESP Exome Variant Server 0.00024; ExAC 0.00027.

Submission:

PreventionGenetics, part of Exact Sciences
Classification: Likely pathogenic for SLCO1B3-related condition. Last evaluated: 2026-07-22. Review status: criteria provided, single submitter. Criteria: ACMG Guidelines, 2015. Collection method: clinical testing. Allele origin: germline.
Comment: The SLCO1B3 c.853_856delAAAC variant is predicted to result in a frameshift and premature protein termination (p.Lys285Hisfs*14). To our knowledge, this variant has not been reported in the literature in association with established SLCO1B3-related disease. This variant is reported in 0.45% of alleles in individuals of Ashkenazi Jewish descent in gnomAD, which is relatively common. However, loss-of-function variants in SLCO1B3 have been reported in association with digenic Rotor syndrome, which requires causative autosomal recessive variants in both SLCO1B1 and SLCO1B3 to result in disease (see, for example, van de Steeg et al. 2012. PubMed ID: 22232210; supplementary data, Tilemis et al. 2023. PubMed ID: 37510394; Kagawa et al. 2015. PubMed ID: 25546334). Taken together, we classify this variant as likely pathogenic.

NM_019844.4(SLCO1B3):c.853_856del (p.Lys285fs)

Genes: SLCO1B3 (solute carrier organic anion transporter family member 1B3; plus strand), SLCO1B3-SLCO1B7 (SLCO1B3-SLCO1B7 readthrough; plus strand). Cytogenetic location: 12p12.2.
Variant type: Deletion.
Coding change: c.853_856del on transcript NM_019844.4 (MANE Select); coding-DNA positions 853 to 856, 4 bases deleted (AAAC; older notation c.853_856delAAAC).
Protein change: p.Lys285fs; shifts the reading frame from lysine 285.
Molecular consequence: frameshift variant.
Genome position (GRCh38, 1-based): chr12:20,875,360-20,875,363, AAAC deleted. VCF-style (leftmost placement, unchanged base first): chr12-20875359-TAAAC-T. GRCh37 (hg19) VCF-style: chr12-21028293-TAAAC-T.
Other names: c.769_772del, p.Lys257fs (NM_001349920.2); short protein forms K257fs, K285fs.
Identifiers: ClinVar variation 4978815 (VCV004978815.1), dbSNP rs554933268.
Genomic context (GRCh38, chr12:20,875,359, plus strand): 5'-GTCTGGACTATTTTCCATTATTTCTTCCATACCATTTTTTTTCTTGCCGAAAAATCCAAA[TAAAC>T]CACAAAAAGAAAGAAAAATTTCACTATCATTGCATGTGCTGAAAACAAATGATGATAGAA-3'